The following is an entry in ClinVar:

ClinVar aggregate classification (germline): Uncertain significance (1 of 4 stars; one submission).

Conditions:
Nemaline myopathy 2 (NEM2). Also called: Nemaline myopathy 2, autosomal recessive. Identifiers: MedGen C1850569, MONDO:0009725, OMIM 256030.

Allele frequency attached by ClinVar (database versions not stated): gnomAD exomes below 0.00001; gnomAD 0.00001; 1000 Genomes Project 30x 0.00016; 1000 Genomes Project 0.00020.
gnomAD v4.1: 5 of 1,588,492 alleles (0.00031%); highest among the groups gnomAD compares: Middle Eastern, 0.017%; no homozygotes.

Submission:

Labcorp Genetics (formerly Invitae), Labcorp
Classification: Uncertain significance for Nemaline myopathy 2. Last evaluated: 2021-08-31. Review status: criteria provided, single submitter. Criteria: Invitae Variant Classification Sherloc (09022015). Collection method: clinical testing. Allele origin: germline.
Comment: This sequence change replaces glutamic acid with alanine at codon 8246 of the NEB protein (p.Glu8246Ala). The glutamic acid residue is moderately conserved and there is a moderate physicochemical difference between glutamic acid and alanine. This variant is not present in population databases (ExAC no frequency). This variant has not been reported in the literature in individuals affected with NEB-related conditions. Algorithms developed to predict the effect of missense changes on protein structure and function are either unavailable or do not agree on the potential impact of this missense change (SIFT: "Deleterious"; PolyPhen-2: "Not Available"; Align-GVGD: "Class C0"). In summary, the available evidence is currently insufficient to determine the role of this variant in disease. Therefore, it has been classified as a Variant of Uncertain Significance.

NM_001164508.2(NEB):c.24632A>C (p.Glu8211Ala)

Genes: NEB (nebulin; minus strand), RIF1 (replication timing regulatory factor 1; plus strand). Cytogenetic location: 2q23.3.
Variant type: single nucleotide variant.
Coding change: c.24632A>C on transcript NM_001164508.2 (MANE Select); coding-DNA position 24632, A replaced by C.
Protein change: p.Glu8211Ala; replaces glutamic acid 8211 with alanine.
Molecular consequence: missense variant.
Genome position (GRCh38, 1-based): chr2:151,493,815, T>G on the plus strand (A>C on the coding strand, the complement: NEB is on the minus strand). VCF-style: chr2-151493815-T-G. GRCh37 (hg19) VCF-style: chr2-152350329-T-G.
Other names: c.24632A>C, p.Glu8211Ala (NM_001164507.2); c.19064A>C, p.Glu6355Ala (NM_004543.5); c.24737A>C, p.Glu8246Ala (NM_001271208.2); short protein forms E6355A, E8211A, E8246A.
Identifiers: ClinVar variation 1019076 (VCV001019076.6), dbSNP rs201243201, ClinGen allele CA57663677.